The following is an entry in ClinVar:

ClinVar aggregate classification (germline): Uncertain significance. Review status: criteria provided, multiple submitters, no conflicts (2 of 4 stars). 2 submissions from 2 submitters: Uncertain significance (2). Last evaluated 2024-08-20.

Conditions:
Emery-Dreifuss muscular dystrophy 5, autosomal dominant (EDMD5). Also called: EMERY-DREIFUSS MUSCULAR DYSTROPHY 5. Identifiers: Orphanet 261, MedGen C2751805, MONDO:0013072, OMIM 612999.

Allele frequency attached by ClinVar (database versions not stated): gnomAD exomes below 0.00001 and 0.00001; ExAC 0.00001; TOPMed 0.00002; ESP Exome Variant Server 0.00008.
gnomAD v4.1: 6 of 1,613,884 alleles (0.00037%); highest among the groups gnomAD compares: South Asian, 0.0011%; no homozygotes.

Submissions (2):

Ambry Genetics
Classification: Uncertain significance. Last evaluated: 2024-08-20. Review status: criteria provided, single submitter. Criteria: Ambry Variant Classification Scheme 2023. Collection method: clinical testing. Allele origin: germline.

Labcorp Genetics (formerly Invitae), Labcorp
Classification: Uncertain significance for Emery-Dreifuss muscular dystrophy 5, autosomal dominant. Last evaluated: 2021-11-29. Review status: criteria provided, single submitter. Criteria: Invitae Variant Classification Sherloc (09022015). Collection method: clinical testing. Allele origin: germline.
Comment: In summary, the available evidence is currently insufficient to determine the role of this variant in disease. Therefore, it has been classified as a Variant of Uncertain Significance. Algorithms developed to predict the effect of missense changes on protein structure and function are either unavailable or do not agree on the potential impact of this missense change (SIFT: "Tolerated"; PolyPhen-2: "Possibly Damaging"; Align-GVGD: "Class C0"). ClinVar contains an entry for this variant (Variation ID: 856664). This variant has not been reported in the literature in individuals affected with SYNE2-related conditions. This variant is present in population databases (rs372299859, gnomAD 0.003%). This sequence change replaces cysteine, which is neutral and slightly polar, with arginine, which is basic and polar, at codon 3664 of the SYNE2 protein (p.Cys3664Arg).

NM_182914.3(SYNE2):c.10990T>C (p.Cys3664Arg)

Gene: SYNE2 (spectrin repeat containing nuclear envelope protein 2; plus strand). Cytogenetic location: 14q23.2.
Variant type: single nucleotide variant.
Coding change: c.10990T>C on transcript NM_182914.3 (MANE Select); coding-DNA position 10990, T replaced by C.
Protein change: p.Cys3664Arg; replaces cysteine 3664 with arginine.
Molecular consequence: missense variant.
Genome position (GRCh38, 1-based): chr14:64,076,068, T>C. VCF-style: chr14-64076068-T-C. GRCh37 (hg19) VCF-style: chr14-64542786-T-C.
Other names: c.10990T>C, p.Cys3664Arg (NM_015180.6); short protein forms C3664R.
Identifiers: ClinVar variation 856664 (VCV000856664.8), dbSNP rs372299859, ClinGen allele CA7221664.